The following is an entry in ClinVar:

ClinVar aggregate classification (germline): Likely pathogenic (1 of 4 stars; one submission).

Conditions:
Usher syndrome. Also called: Usher's syndrome; Usher Syndromes. Identifiers: Orphanet 886, MedGen CN469326, MeSH D052245, MONDO:0019501. Disease mechanism: loss of function.

Submission:

Women's Health and Genetics/Laboratory Corporation of America, LabCorp
Classification: Likely pathogenic for Retinitis pigmentosa-deafness syndrome. Last evaluated: 2021-11-02. Review status: criteria provided, single submitter. Criteria: LabCorp Variant Classification Summary - May 2015. Collection method: clinical testing. Allele origin: germline.
Comment: Variant summary: The variant identified by MLPA or other technology involves the deletion of exons 82 in the ADGRV1 gene. A presumed nomenclature of c.(17594+1_17595-1)_(17755+1_17756-1)del has been designated for the purposes of this classification. Although exact breakpoints of this deletion are not known, it is expected to result in a frameshift in the ADGRV1 gene which was predicted as p.(Ser5865Argfs*21) by Alamut tool, a known mechanism of disease. The variant was absent in 21694 control chromosomes (gnomAD structural variants dataset). To our knowledge, no occurrence of c.(17594+1_17595-1)_(17755+1_17756-1)del in individuals affected with Usher Syndrome and no experimental evidence demonstrating its impact on protein function have been reported. No clinical diagnostic laboratories have submitted clinical-significance assessments for this variant to ClinVar after 2014. Based on the evidence outlined above, the variant was classified as likely pathogenic.

NC_000005.9:g.(90150019_90151557)_(90151719_90159573)del

Gene: ADGRV1 (adhesion G protein-coupled receptor V1; plus strand). Cytogenetic location: 5q14.3.
Variant type: Deletion.
Identifiers: ClinVar variation 1329050 (VCV001329050.1).